The following continues an entry in ClinVar:

NM_001276345.2(TNNT2):c.887G>A (p.Arg296His)

Gene: TNNT2. ClinVar aggregate classification (germline): Uncertain significance. Uncertain significance (18).

Submissions 8 to 21 of 21:

Fulgent Genetics
Classification: Uncertain significance for Hypertrophic cardiomyopathy 2; Dilated cardiomyopathy 1D; Cardiomyopathy, familial restrictive, 3. Last evaluated: 2024-04-19. Review status: criteria provided, single submitter. Criteria: ACMG Guidelines, 2015. Collection method: clinical testing. Allele origin: germline.

All of Us Research Program, National Institutes of Health
Classification: Uncertain significance for Cardiomyopathy. Last evaluated: 2024-03-05. Review status: criteria provided, single submitter. Criteria: ACMG Guidelines, 2015. Collection method: clinical testing. Allele origin: germline. Inheritance: Autosomal dominant inheritance. Observed: 8 variant alleles, 8 heterozygotes.
Comment: This missense variant replaces arginine with histidine at codon 286 of the TNNT2 protein. Computational prediction tools indicate that this variant's impact on protein structure and function is inconclusive. Functional studies using induced pluripotent stem cells provide some evidence that this variant may impact TNNT2 function (PMID: 32815737). This variant has been reported in multiple individuals and families affected with hypertrophic cardiomyopathy (PMID: 12860912, 19035361, 23711808, 24111713, 25086479, 25351510, 26507537, 27082122, 27532257, 28356264, 28771489, 32815737, 33495596, 33495597, 37107598). Some of these individuals also carried pathogenic variants in other genes associated with hypertrophic cardiomyopathy (PMID: 25086479 , 37107598). Compound heterozygous individuals showed a more severe phenotype than heterozygous individuals (PMID: 25086479). Family studies are inconclusive as to whether this variant segregates with hypertrophic cardiomyopathy or not (PMID: 19035361, 25086479, 26507537). This variant has been identified in healthy control cohorts, and is estimated to have a low penetrance (PMID: 32815737). This variant has been identified in 19/273936 chromosomes in the general population by the Genome Aggregation Database (gnomAD). In summary, this is a variant with unknown functional impact that has been reported in multiple individuals affected with hypertrophic cardiomyopathy. However, this variant also occurs at an appreciable frequency in the general population and it is inconclusive whether this variant segregates with disease in affected families. Additional studies are necessary to determine the role of this variant in disease conclusively. Therefore, this variant is classified as a Variant of Uncertain Significance.

This study involves interpretation of variants in research participants for the purpose of population health screening. Participant phenotype was not available at the time of variant classification. Additional details can be found in publication PMID: 35346344, PMCID: PMC8962531

Color Diagnostics, LLC DBA Color Health
Classification: Uncertain significance for Cardiomyopathy. Last evaluated: 2024-02-05. Review status: criteria provided, single submitter. Criteria: ACMG Guidelines, 2015. Collection method: clinical testing. Allele origin: germline.
Comment: This missense variant replaces arginine with histidine at codon 286 of the TNNT2 protein. Computational prediction tools indicate that this variant's impact on protein structure and function is inconclusive. Functional studies using induced pluripotent stem cells provide some evidence that this variant may impact TNNT2 function (PMID: 32815737). This variant has been reported in multiple individuals and families affected with hypertrophic cardiomyopathy (PMID: 12860912, 19035361, 23711808, 24111713, 25086479, 25351510, 26507537, 27082122, 27532257, 28356264, 28771489, 32815737, 33495596, 33495597, 37107598). Some of these individuals also carried pathogenic variants in other genes associated with hypertrophic cardiomyopathy (PMID: 25086479 , 37107598). Compound heterozygous individuals showed a more severe phenotype than heterozygous individuals (PMID: 25086479). Family studies are inconclusive as to whether this variant segregates with hypertrophic cardiomyopathy or not (PMID: 19035361, 25086479, 26507537). This variant has been identified in healthy control cohorts, and is estimated to have a low penetrance (PMID: 32815737). This variant has been identified in 19/273936 chromosomes in the general population by the Genome Aggregation Database (gnomAD). In summary, this is a variant with unknown functional impact that has been reported in multiple individuals affected with hypertrophic cardiomyopathy. However, this variant also occurs at an appreciable frequency in the general population and it is inconclusive whether this variant segregates with disease in affected families. Additional studies are necessary to determine the role of this variant in disease conclusively. Therefore, this variant is classified as a Variant of Uncertain Significance.

Blueprint Genetics
Classification: Uncertain significance. Last evaluated: 2023-11-29. Review status: criteria provided, single submitter. Criteria: ACMG Guidelines, 2015. Collection method: clinical testing. Allele origin: germline.

CHEO Genetics Diagnostic Laboratory, Children's Hospital of Eastern Ontario
Classification: Uncertain significance for Cardiomyopathy. Last evaluated: 2023-05-26. Review status: criteria provided, single submitter. Criteria: ACMG Guidelines, 2015. Collection method: clinical testing. Allele origin: germline.

Genome-Nilou Lab
Classification: Uncertain significance for Dilated cardiomyopathy 1D. Last evaluated: 2023-04-11. Review status: criteria provided, single submitter. Criteria: ACMG Guidelines, 2015. Collection method: clinical testing. Allele origin: germline. Affected: no.

Genome-Nilou Lab
Classification: Uncertain significance for Cardiomyopathy, familial restrictive, 3. Last evaluated: 2023-04-11. Review status: criteria provided, single submitter. Criteria: ACMG Guidelines, 2015. Collection method: clinical testing. Allele origin: germline. Affected: no.

Genome-Nilou Lab
Classification: Uncertain significance for Hypertrophic cardiomyopathy 2. Last evaluated: 2023-04-11. Review status: criteria provided, single submitter. Criteria: ACMG Guidelines, 2015. Collection method: clinical testing. Allele origin: germline. Affected: no.

Laboratory for Molecular Medicine, Mass General Brigham Personalized Medicine
Classification: Uncertain significance. Last evaluated: 2018-07-16. Review status: criteria provided, single submitter. Criteria: LMM Criteria. Collection method: clinical testing. Allele origin: germline. Observed: 5 variant alleles.
Comment: Variant classified as Uncertain Significance - Favor Benign. The p.Arg286His var iant in TNNT2 has been reported in >13 individuals with HCM and segregated with disease in at least 1 affected relative (Van Driest 2003, Van Driest 2004, Ande rsen 2009, Zhao 2016, Ripoll-Vera 2016, Viswanathan 2017). This variant has been identified in 0.09% (16/18472) of East Asian chromosomes by the Genome Aggregat ion Database (gnomAD) and is reported in Clin Var (Variation ID: 43677). Computational prediction tools and conservation analy sis suggest that the p.Arg286His variant may impact the protein, though this inf ormation is not predictive enough to determine pathogenicity. In summary, while the clinical significance of the p.Arg286His variant is uncertain, its frequency suggests that it is more likely to be benign. ACMG/AMP Criteria applied: PS4, P P3, BS1.

Stanford Center for Inherited Cardiovascular Disease, Stanford University
Classification: Uncertain significance. Last evaluated: 2016-01-28. Review status: criteria provided, single submitter. Criteria: ACMG Guidelines, 2015. Collection method: provider interpretation. Allele origin: germline.

Juno Genomics, Hangzhou Juno Genomics, Inc
Classification: Uncertain significance for Dilated cardiomyopathy 1D; Cardiomyopathy, familial restrictive, 3; Hypertrophic cardiomyopathy 2. Review status: criteria provided, single submitter. Criteria: ACMG Guidelines, 2015. Collection method: clinical testing. Allele origin: germline. Affected: yes.
Comment: Well-established in vitro or in vivo functional studies supportive of a damaging effect on the gene or gene product.;The prevalence of the variant in affected individuals is significantly increased compared to the prevalence in controls.

CSER _CC_NCGL, University of Washington
Classification: Likely pathogenic for Cardiomyopathy, hypertrophic. Last evaluated: 2014-06-01. Review status: no assertion criteria provided. Collection method: research. Allele origin: germline. Inheritance: Autosomal dominant inheritance. Study: ESP 6500 variant annotation. Not counted in ClinVar's aggregate classification.
Comment: Variants classified for the Actionable exomic incidental findings in 6503 participants: challenges of variant classification manuscript

Clinical Genetics, Academic Medical Center
Classification: Uncertain significance. Review status: no assertion criteria provided. Collection method: clinical testing. Allele origin: germline. Affected: yes. Study: VKGL Data-share Consensus. Not counted in ClinVar's aggregate classification.

Genome Diagnostics Laboratory, University Medical Center Utrecht
Classification: Uncertain significance. Review status: no assertion criteria provided. Collection method: clinical testing. Allele origin: germline. Affected: yes. Study: VKGL Data-share Consensus. Not counted in ClinVar's aggregate classification.

Literature cited by the submitters: PubMed 12860912 (cited by 6 submitters); PubMed 23711808 (cited by 5 submitters); PubMed 25086479 (cited by 4 submitters); PubMed 26507537 (cited by 5 submitters); PubMed 27082122 (cited by 5 submitters); PubMed 28356264 (cited by 4 submitters); PubMed 32815737 (cited by 5 submitters); PubMed 12707239 (cited by 3billion); PubMed 15519027 (cited by Women's Health and Genetics/Laboratory Corporation of America, LabCorp and Laboratory for Molecular Medicine, Mass General Brigham Personalized Medicine); PubMed 19035361 (cited by 4 submitters); PubMed 24111713 (cited by 3 submitters); PubMed 25351510 (cited by 3 submitters); PubMed 28138913 (cited by Ambry Genetics); PubMed 28771489 (cited by 3 submitters); PubMed 29121657 (cited by Ambry Genetics and Laboratory for Molecular Medicine, Mass General Brigham Personalized Medicine); PubMed 30165862 (cited by Ambry Genetics); PubMed 32344918 (cited by Ambry Genetics); PubMed 37107598 (cited by 3 submitters); PubMed 27532257 (cited by All of Us Research Program, National Institutes of Health and Color Diagnostics, LLC DBA Color Health); PubMed 33495596 (cited by All of Us Research Program, National Institutes of Health and Color Diagnostics, LLC DBA Color Health); PubMed 33495597 (cited by All of Us Research Program, National Institutes of Health and Color Diagnostics, LLC DBA Color Health); PubMed 22321274 (cited by Laboratory for Molecular Medicine, Mass General Brigham Personalized Medicine).